The following is an entry in ClinVar:

NM_032119.4(ADGRV1):c.12964_12984del (p.Leu4322_Glu4328del)

Gene: ADGRV1 (adhesion G protein-coupled receptor V1; plus strand). Cytogenetic location: 5q14.3.
Variant type: Deletion.
Coding change: c.12964_12984del on transcript NM_032119.4 (MANE Select); coding-DNA positions 12964 to 12984, 21 bases deleted (CTCCTCTTTGAAGCAGGGGAG).
Protein change: p.Leu4322_Glu4328del.
Molecular consequence: inframe deletion. On other transcripts: non-coding transcript variant (1).
Genome position (GRCh38, 1-based): chr5:90,778,979-90,778,999, CTCCTCTTTGAAGCAGGGGAG deleted; deleting any 21 consecutive bases within chr5:90,778,969-90,778,999 gives the same sequence; the c. name uses the placement nearest the transcript's 3' end. VCF-style (leftmost placement, unchanged base first): chr5-90778968-CAGCAGGGGAGCTCCTCTTTGA-C. GRCh37 (hg19) VCF-style: chr5-90074785-CAGCAGGGGAGCTCCTCTTTGA-C.
Identifiers: ClinVar variation 1467140 (VCV001467140.8), dbSNP rs1301339206, ClinGen allele CA2573140020.
Genomic context (GRCh38, chr5:90,778,968, plus strand): 5'-TGCGACTCTGGTACAAGACGATGAGCGGGACAGCGGAAGCAGGCTTGGATTTTGTTCCTG[CAGCAGGGGAGCTCCTCTTTGA>C]AGCAGGGGAGATGAGGAAAAGTCTGCATGTTGAAATCCTTGATGATGACTATCCTGAAGG-3'

ClinVar aggregate classification (germline): Uncertain significance (1 of 4 stars; one submission).

Submission:

Labcorp Genetics (formerly Invitae), Labcorp
Classification: Uncertain significance. Last evaluated: 2021-05-20. Review status: criteria provided, single submitter. Criteria: Invitae Variant Classification Sherloc (09022015). Collection method: clinical testing. Allele origin: germline.
Comment: In summary, the available evidence is currently insufficient to determine the role of this variant in disease. Therefore, it has been classified as a Variant of Uncertain Significance. Experimental studies and prediction algorithms are not available or were not evaluated, and the functional significance of this variant is currently unknown. This variant has not been reported in the literature in individuals with ADGRV1-related conditions. This variant is not present in population databases (ExAC no frequency). This variant, c.12964_12984del, results in the deletion of 7 amino acid(s) of the ADGRV1 protein (p.Leu4322_Glu4328del), but otherwise preserves the integrity of the reading frame.